The following is an entry in ClinVar:

NM_000256.3(MYBPC3):c.3593_3627+20del

Gene: MYBPC3 (myosin binding protein C3; minus strand). Cytogenetic location: 11p11.2.
Variant type: Deletion.
Coding change: c.3593_3627+20del on transcript NM_000256.3 (MANE Select); coding-DNA position 3593 through 20 bases into the intron after coding-DNA position 3627, 55 bases deleted.
Molecular consequence: splice donor variant.
Genome position (GRCh38, 1-based): chr11:47,332,546-47,332,600, 55 bases deleted. GRCh37 (hg19): chr11:47,354,100-47,354,154.
Other names: c.3593_3627+20del55 (NM_000256.3).
Identifiers: ClinVar variation 1733001 (VCV001733001.5), dbSNP rs2495737667, ClinGen allele CA2580084192.

ClinVar aggregate classification (germline): Likely pathogenic. Review status: criteria provided, multiple submitters, no conflicts (2 of 4 stars). 2 submissions from 2 submitters: Likely pathogenic (2). Last evaluated 2024-09-15.

Conditions:
Cardiovascular phenotype. Identifiers: MedGen CN230736.
Hypertrophic cardiomyopathy. Also called: HYPERTROPHIC MYOCARDIOPATHY. Identifiers: Orphanet 217569, MedGen C0007194, MeSH D002312, MONDO:0005045, HP:0001639.

Submissions (2):

Labcorp Genetics (formerly Invitae), Labcorp
Classification: Likely pathogenic for Hypertrophic cardiomyopathy. Last evaluated: 2024-09-15. Review status: criteria provided, single submitter. Criteria: Invitae Variant Classification Sherloc (09022015). Collection method: clinical testing. Allele origin: germline.
Comment: This variant results in the deletion of part of exon 32 (c.3593_3627+20del) of the MYBPC3 gene. It is expected to disrupt RNA splicing. Variants that disrupt the donor or acceptor splice site typically lead to a loss of protein function (PMID: 16199547), and loss-of-function variants in MYBPC3 are known to be pathogenic (PMID: 19574547). This variant is not present in population databases (gnomAD no frequency). This variant has not been reported in the literature in individuals affected with MYBPC3-related conditions. ClinVar contains an entry for this variant (Variation ID: 1733001). This variant disrupts a region of the MYBPC3 protein in which other variant(s) (p.Leu1200Pro) have been observed in individuals with MYBPC3-related conditions (PMID: 24093860). This suggests that this is a clinically significant region of the protein, and that variants that disrupt it are likely to be disease-causing. In summary, the currently available evidence indicates that the variant is pathogenic, but additional data are needed to prove that conclusively. Therefore, this variant has been classified as Likely Pathogenic.

Ambry Genetics
Classification: Likely pathogenic for Cardiovascular phenotype. Last evaluated: 2022-04-22. Review status: criteria provided, single submitter. Criteria: Ambry Variant Classification Scheme 2023. Collection method: clinical testing. Allele origin: germline.
Comment: The c.3593_3627+20del55 variant results from a deletion of 55 nucleotides between positions 3593 and 3627+20 and involves the canonical splice donor site after coding exon 32 of the MYBPC3 gene. This variant is considered to be rare based on population cohorts in the Genome Aggregation Database (gnomAD). The canonical splice donor site is highly conserved in available vertebrate species. In silico splice site analysis predicts that this alteration will abolish the native splice donor site; however, the exact impact of this deletion on MYBPC3 splicing and function is currently unknown. Alterations that disrupt the canonical splice site are expected to cause aberrant splicing, resulting in an abnormal protein or a transcript that is subject to nonsense-mediated mRNA decay. As such, this alteration is classified as likely pathogenic.

Literature cited by the submitters: PubMed 16199547 (cited by Labcorp Genetics (formerly Invitae), Labcorp); PubMed 19574547 (cited by Labcorp Genetics (formerly Invitae), Labcorp); PubMed 24093860 (cited by Labcorp Genetics (formerly Invitae), Labcorp).